The following is an entry in ClinVar:

ClinVar aggregate classification (germline): Pathogenic (1 of 4 stars; one submission).

Conditions:
Early-infantile DEE. Also called: Ohtahara syndrome; Early infantile epileptic encephalopathy; Early infantile epileptic encephalopathy with suppression bursts. Identifiers: Orphanet 1934, MedGen C0393706, MONDO:0800491.

Submission:

Labcorp Genetics (formerly Invitae), Labcorp
Classification: Pathogenic for Early-infantile DEE. Last evaluated: 2023-11-28. Review status: criteria provided, single submitter. Criteria: Invitae Variant Classification Sherloc (09022015). Collection method: clinical testing. Allele origin: germline.
Comment: This variant, c.736_738del, results in the deletion of 1 amino acid(s) of the SCN1A protein (p.Lys246del), but otherwise preserves the integrity of the reading frame. This variant is not present in population databases (gnomAD no frequency). This variant has been observed in individual(s) with clinical features of Dravet syndrome (PMID: 31031587; Invitae). In at least one individual the variant was observed to be de novo. For these reasons, this variant has been classified as Pathogenic.

Literature cited by the submitters: PubMed 31031587.

NM_001165963.4(SCN1A):c.733AAG[1] (p.Lys246del)

Gene: SCN1A (sodium voltage-gated channel alpha subunit 1; minus strand). Cytogenetic location: 2q24.3.
Variant type: Microsatellite.
Coding change: c.733AAG[1] on transcript NM_001165963.4 (MANE Select); one copy of the 3-base unit AAG starting at c.733; the reference has two copies in a row; one copy, 3 bases deleted.
Protein change: p.Lys246del; deletes lysine 246.
Molecular consequence: inframe deletion. On other transcripts: 5 prime UTR variant (1), non-coding transcript variant (1).
Genome position (GRCh38, 1-based): chr2:166,051,945-166,051,947, CTT deleted on the plus strand (AAG on the coding strand, the reverse complement: SCN1A is on the minus strand); deleting any 3 consecutive bases within chr2:166,051,945-166,051,951 gives the same sequence; the position shown is the placement nearest the transcript's 3' end. VCF-style (leftmost placement, unchanged base first): chr2-166051944-GCTT-G. GRCh37 (hg19) VCF-style: chr2-166908454-GCTT-G.
Other names: c.733AAG[1], p.Lys246del (NM_001165964.3, NM_001202435.3, NM_001353948.2 and 10 more transcripts); c.-1693AAG[1] (NM_001353961.2); short protein forms K246del.
Identifiers: ClinVar variation 2883992 (VCV002883992.3), dbSNP rs2468224711, ClinGen allele CA2586971051.
Genomic context (GRCh38, chr2:166,051,944, plus strand): 5'-GCAGCCCAATTAGAGCAAATACGCTCAGACAGAACACAGTCAGGATCATTACATCTGAGA[GCTT>G]CTTCACAGACTGGATCAGGGCTCCCACAATGGTTTTCAGGCCTGAAAGAAAGAAGTCTAT-3'